The following is an entry in ClinVar:

NM_000481.4(AMT):c.*86G>T

Gene: AMT (aminomethyltransferase; minus strand). Cytogenetic location: 3p21.31.
Variant type: single nucleotide variant.
Coding change: c.*86G>T on transcript NM_000481.4 (MANE Select); 86 bases downstream of the stop codon, G replaced by T.
Molecular consequence: 3 prime UTR variant. On other transcripts: non-coding transcript variant (1), intron variant (1).
Genome position (GRCh38, 1-based): chr3:49,417,454, C>A on the plus strand (G>T on the coding strand, the complement: AMT is on the minus strand). VCF-style: chr3-49417454-C-A. GRCh37 (hg19) VCF-style: chr3-49454887-C-A.
Other names: c.*86G>T (NM_001164710.2, NM_001164711.2); c.1138-87G>T (NM_001164712.2).
Identifiers: ClinVar variation 553667 (VCV000553667.6), dbSNP rs745685639, ClinGen allele CA2398114.
Genomic context (GRCh38, chr3:49,417,454, plus strand): 5'-GAATAGGTGGTGTGGCCCCTCAACCAGACAATTAGAATCAGCCTCCACCTTAACTGCCCA[C>A]CCCCAGTGAGTTCTGCCTCAGCTTCTTGACTAACCCCTTGTAGGGGCAAAACTCCTGGAA-3'

ClinVar aggregate classification (germline): Uncertain significance. Review status: criteria provided, multiple submitters, no conflicts (2 of 4 stars). 3 submissions from 3 submitters: Uncertain significance (2). 1 of the submissions does not count toward it. Last evaluated 2022-08-10.

Conditions:
Glycine encephalopathy 1 (GCE1). Identifiers: MedGen CN376801, MONDO:0958179, OMIM 605899.
Glycine encephalopathy. Also called: Non-ketotic hyperglycinemia; Nonketotic hyperglycinemia. Identifiers: Orphanet 407, MedGen C0751748, MONDO:0011612, HP:0008288.
Inborn genetic diseases. Identifiers: MedGen C0950123, MeSH D030342.

Allele frequency attached by ClinVar (database versions not stated): ExAC 0.00004; gnomAD exomes 0.00004 and 0.00002; TOPMed below 0.00001.

Submissions (3):

Labcorp Genetics (formerly Invitae), Labcorp
Classification: Uncertain significance for Glycine encephalopathy. Last evaluated: 2022-08-10. Review status: criteria provided, single submitter. Criteria: Invitae Variant Classification Sherloc (09022015). Collection method: clinical testing. Allele origin: germline.
Comment: This variant occurs in a non-coding region of the AMT gene. It does not change the encoded amino acid sequence of the AMT protein. This variant is present in population databases (rs745685639, gnomAD 0.03%). This variant has not been reported in the literature in individuals affected with AMT-related conditions. ClinVar contains an entry for this variant (Variation ID: 553667). In summary, the available evidence is currently insufficient to determine the role of this variant in disease. Therefore, it has been classified as a Variant of Uncertain Significance.

Ambry Genetics
Classification: Uncertain significance for Inborn genetic diseases. Last evaluated: 2021-04-14. Review status: criteria provided, single submitter. Criteria: Ambry Variant Classification Scheme 2023. Collection method: clinical testing. Allele origin: germline.
Comment: The c.*86G>T alteration is located in the 3' untranslated region (3'UTR) of the AMT gene. This alteration consists of a deletion of 1 nucleotides after the last coding exon of the AMT gene. Based on insufficient or conflicting evidence, the clinical significance of this alteration remains unclear.

Counsyl
Classification: Uncertain significance for Glycine encephalopathy 1. Last evaluated: 2017-11-14. Review status: no assertion criteria provided. Collection method: clinical testing. Allele origin: unknown. Not counted in ClinVar's aggregate classification.